The following is an entry in ClinVar:

ClinVar aggregate classification (germline): Uncertain significance (1 of 4 stars; one submission).

Conditions:
Glycogen storage disease, type II (IOPD). Also called: GLYCOGENOSIS, GENERALIZED, CARDIAC FORM; GSD II; Glycogen storage disease type 2; Acid maltase deficiency disease; Aglucosidase alfa; Deficiency of alpha-glucosidase. Identifiers: Orphanet 365, MedGen C0017921, MONDO:0009290, OMIM 232300.

gnomAD v4.1: 6 of 1,612,474 alleles (0.00037%); highest among the groups gnomAD compares: Middle Eastern, 0.033%; no homozygotes.

Submission:

Labcorp Genetics (formerly Invitae), Labcorp
Classification: Uncertain significance for Glycogen storage disease, type II. Last evaluated: 2025-10-17. Review status: criteria provided, single submitter. Criteria: Invitae Variant Classification Sherloc (09022015). Collection method: clinical testing. Allele origin: germline.
Comment: This sequence change replaces glutamine, which is neutral and polar, with histidine, which is basic and polar, at codon 81 of the GAA protein (p.Gln81His). This variant is present in population databases (no rsID available, gnomAD 0.005%). This variant has not been reported in the literature in individuals affected with GAA-related conditions. Invitae Evidence Modeling of protein sequence and biophysical properties (such as structural, functional, and spatial information, amino acid conservation, physicochemical variation, residue mobility, and thermodynamic stability) indicates that this missense variant is not expected to disrupt GAA protein function with a negative predictive value of 95%. In summary, the available evidence is currently insufficient to determine the role of this variant in disease. Therefore, it has been classified as a Variant of Uncertain Significance.

NM_000152.5(GAA):c.243G>T (p.Gln81His)

Gene: GAA (alpha glucosidase; plus strand). Cytogenetic location: 17q25.3.
Variant type: single nucleotide variant.
Coding change: c.243G>T on transcript NM_000152.5 (MANE Select); coding-DNA position 243, G replaced by T.
Protein change: p.Gln81His; replaces glutamine 81 with histidine.
Molecular consequence: missense variant.
Genome position (GRCh38, 1-based): chr17:80,104,829, G>T. VCF-style: chr17-80104829-G-T. GRCh37 (hg19) VCF-style: chr17-78078628-G-T.
Other names: c.243G>T, p.Gln81His (NM_001079803.3, NM_001079804.3, NM_001406741.1 and 1 more transcripts); short protein forms Q81H.
Identifiers: ClinVar variation 4754415 (VCV004754415.1).